The following is an entry in ClinVar:

ClinVar aggregate classification (germline): Benign/Likely benign. Review status: criteria provided, multiple submitters, no conflicts (2 of 4 stars). 3 submissions from 3 submitters: Benign (1); Likely benign (2). Last evaluated 2025-07-23.

Conditions:
Hereditary cancer-predisposing syndrome. Also called: Hereditary neoplastic syndrome; Hereditary Cancer Syndrome; Tumor predisposition; Neoplastic Syndromes, Hereditary. Identifiers: Orphanet 140162, MedGen C0027672, MeSH D009386, MONDO:0015356.
Hereditary diffuse gastric adenocarcinoma (HDGC). Also called: DIFFUSE GASTRIC AND LOBULAR BREAST CANCER SYNDROME. Identifiers: Orphanet 26106, MedGen C1708349, MONDO:0007648, OMIM 137215.

gnomAD v4.1: 8 of 1,611,792 alleles (0.0005%); highest among the groups gnomAD compares: South Asian, 0.0088%; no homozygotes.

Submissions (3):

Labcorp Genetics (formerly Invitae), Labcorp
Classification: Likely benign. Last evaluated: 2025-07-23. Review status: criteria provided, single submitter. Criteria: Invitae Variant Classification Sherloc (09022015). Collection method: clinical testing. Allele origin: germline.

Myriad Genetics, Inc.
Classification: Benign for Hereditary diffuse gastric adenocarcinoma. Last evaluated: 2024-10-11. Review status: criteria provided, single submitter. Criteria: Myriad Autosomal Dominant, Autosomal Recessive and X-Linked Classification Criteria (2023). Collection method: clinical testing. Allele origin: unknown.
Comment: This variant is considered benign. This variant is a silent/synonymous amino acid change and it is not expected to impact splicing.

Ambry Genetics
Classification: Likely benign for Hereditary cancer-predisposing syndrome. Last evaluated: 2021-11-22. Review status: criteria provided, single submitter. Criteria: Ambry Variant Classification Scheme 2023. Collection method: clinical testing. Allele origin: germline.

NM_001903.5(CTNNA1):c.1257T>C (p.Tyr419=)

Gene: CTNNA1 (catenin alpha 1; plus strand). Cytogenetic location: 5q31.2.
Variant type: single nucleotide variant.
Coding change: c.1257T>C on transcript NM_001903.5 (MANE Select); coding-DNA position 1257, T replaced by C.
Protein change: p.Tyr419=; no amino-acid change (tyrosine 419 retained).
Molecular consequence: synonymous variant. On other transcripts: 5 prime UTR variant (5), intron variant (2).
Genome position (GRCh38, 1-based): chr5:138,887,603, T>C. VCF-style: chr5-138887603-T-C. GRCh37 (hg19) VCF-style: chr5-138223292-T-C.
Other names: c.1257T>C, p.Tyr419= (NM_001290307.3, NM_001323982.2, NM_001323983.1 and 3 more transcripts); c.948T>C, p.Tyr316= (NM_001290309.3); c.888T>C, p.Tyr296= (NM_001290310.3); c.147T>C, p.Tyr49= (NM_001290312.1, NM_001323987.1, NM_001323988.1 and 18 more transcripts); c.-251T>C (NM_001324006.1, NM_001324007.1, NM_001324008.1 and 1 more transcripts); c.-126T>C (NM_001324013.1); c.-58+12006T>C (NM_001324012.1); c.-61+12006T>C (NM_001324010.1).
Identifiers: ClinVar variation 1666736 (VCV001666736.11), dbSNP rs2150032819, ClinGen allele CA446590320.